The following is an entry in ClinVar:

ClinVar aggregate classification (germline): Uncertain significance. Review status: criteria provided, multiple submitters, no conflicts (2 of 4 stars). 2 submissions from 2 submitters: Uncertain significance (2). Last evaluated 2025-01-30.

Conditions:
Inborn genetic diseases. Identifiers: MedGen C0950123, MeSH D030342.

Allele frequency attached by ClinVar (database versions not stated): gnomAD exomes 0.00004; TOPMed 0.00012; gnomAD 0.00013.
gnomAD v4.1: 108 of 1,611,690 alleles (0.0067%); highest among the groups gnomAD compares: Admixed American, 0.033%; no homozygotes.

Submissions (2):

Labcorp Genetics (formerly Invitae), Labcorp
Classification: Uncertain significance. Last evaluated: 2025-01-30. Review status: criteria provided, single submitter. Criteria: Invitae Variant Classification Sherloc (09022015). Collection method: clinical testing. Allele origin: germline.
Comment: This sequence change replaces arginine, which is basic and polar, with glutamine, which is neutral and polar, at codon 508 of the FAR1 protein (p.Arg508Gln). This variant is present in population databases (rs200930331, gnomAD 0.02%). This variant has not been reported in the literature in individuals affected with FAR1-related conditions. ClinVar contains an entry for this variant (Variation ID: 1479587). An algorithm developed to predict the effect of missense changes on protein structure and function (PolyPhen-2) suggests that this variant¬†is likely to be tolerated. In summary, the available evidence is currently insufficient to determine the role of this variant in disease. Therefore, it has been classified as a Variant of Uncertain Significance.

Ambry Genetics
Classification: Uncertain significance for Inborn genetic diseases. Last evaluated: 2022-12-28. Review status: criteria provided, single submitter. Criteria: Ambry Variant Classification Scheme 2023. Collection method: clinical testing. Allele origin: germline.

NM_032228.6(FAR1):c.1523G>A (p.Arg508Gln)

Gene: FAR1 (fatty acyl-CoA reductase 1; plus strand). Cytogenetic location: 11p15.3.
Variant type: single nucleotide variant.
Coding change: c.1523G>A on transcript NM_032228.6 (MANE Select); coding-DNA position 1523, G replaced by A.
Protein change: p.Arg508Gln; replaces arginine 508 with glutamine.
Molecular consequence: missense variant.
Genome position (GRCh38, 1-based): chr11:13,728,749, G>A. VCF-style: chr11-13728749-G-A. GRCh37 (hg19) VCF-style: chr11-13750296-G-A.
Other names: c.1523G>A (NM_032228.5); short protein forms R508Q.
Identifiers: ClinVar variation 1479587 (VCV001479587.8), dbSNP rs200930331, ClinGen allele CA218132532.